The following is an entry in ClinVar:

NM_001378120.1(MBD5):c.1831A>C (p.Ser611Arg)

Gene: MBD5 (methyl-CpG binding domain protein 5; plus strand). Cytogenetic location: 2q23.1.
Variant type: single nucleotide variant.
Coding change: c.1831A>C on transcript NM_001378120.1 (MANE Select); coding-DNA position 1831, A replaced by C.
Protein change: p.Ser611Arg; replaces serine 611 with arginine.
Molecular consequence: missense variant.
Genome position (GRCh38, 1-based): chr2:148,469,774, A>C. VCF-style: chr2-148469774-A-C. GRCh37 (hg19) VCF-style: chr2-149227343-A-C.
Other names: c.1831A>C, p.Ser611Arg (NM_018328.5); short protein forms S611R.
Identifiers: ClinVar variation 2446534 (VCV002446534.3), dbSNP rs2469869684, ClinGen allele CA348720534.

ClinVar aggregate classification (germline): Uncertain significance. Review status: criteria provided, multiple submitters, no conflicts (2 of 4 stars). 2 submissions from 2 submitters: Uncertain significance (2). Last evaluated 2026-03-24.

Submissions (2):

Dasa
Classification: Uncertain significance. Last evaluated: 2026-03-24. Review status: criteria provided, single submitter. Criteria: DASA Assertion Criteria. Collection method: clinical testing. Allele origin: germline.
Comment: NM_001378120.1(MBD5):c.1831A>C (p.Ser611Arg) is a missense variant that results in the substitution of serine with arginine. This variant is rare in population databases. Computational prediction algorithms are consistent with a benign effect. The currently available literature and clinical evidence are not sufficient to establish a definitive association between this variant and the reported condition. Therefore, this variant is classified as a variant of uncertain significance.

GeneDx
Classification: Uncertain significance. Last evaluated: 2022-09-30. Review status: criteria provided, single submitter. Criteria: GeneDx Variant Classification Process June 2021. Collection method: clinical testing. Allele origin: germline. Affected: yes.
Comment: Not observed at significant frequency in large population cohorts (gnomAD); In silico analysis supports that this missense variant does not alter protein structure/function; Has not been previously published as pathogenic or benign to our knowledge